The following is an entry in ClinVar:

NM_024735.5(FBXO31):c.490-7_490-5del

Gene: FBXO31 (F-box protein 31; minus strand). Cytogenetic location: 16q24.2.
Variant type: Microsatellite.
Coding change: c.490-7_490-5del on transcript NM_024735.5 (MANE Select); 7 bases into the intron before coding-DNA position 490 through 5 bases into the intron before coding-DNA position 490, 3 bases deleted (CCT; older notation c.490-7_490-5delCCT).
Molecular consequence: intron variant.
Genome position (GRCh38, 1-based): chr16:87,343,770-87,343,772, AGG deleted on the plus strand (CCT on the coding strand, the reverse complement: FBXO31 is on the minus strand); deleting any 3 consecutive bases within chr16:87,343,770-87,343,777 gives the same sequence; the c. name uses the placement nearest the transcript's 3' end. VCF-style (leftmost placement, unchanged base first): chr16-87343769-CAGG-C. GRCh37 (hg19) VCF-style: chr16-87377375-CAGG-C.
Other names: c.-27-7_-27-5del (NM_001282683.2).
Identifiers: ClinVar variation 435182 (VCV000435182.30), dbSNP rs773844606, ClinGen allele CA8219199.
Genomic context (GRCh38, chr16:87,343,769, plus strand): 5'-GACGTGGGGGTCATGGGGAGGCAGGTACATCCACCCGATGATGAACAGGCCGTCCACCTA[CAGG>C]AGGAGATGGGCAAAGGTCCATGAGTGGCTCCCGGGCCAGAGCAAGGGCGGCCCCGCACGG-3'

ClinVar aggregate classification (germline): Uncertain significance. Review status: criteria provided, multiple submitters, no conflicts (2 of 4 stars). 2 submissions from 2 submitters: Uncertain significance (2). Last evaluated 2023-09-01.

Submissions (2):

CeGaT Center for Human Genetics Tuebingen
Classification: Uncertain significance. Last evaluated: 2023-09-01. Review status: criteria provided, single submitter. Criteria: CeGaT Center For Human Genetics Tuebingen Variant Classification Criteria Version 2. Collection method: clinical testing. Allele origin: germline. Affected: yes. Observed: 1 variant allele.
Comment: FBXO31: PM2, BP4

Genetic Services Laboratory, University of Chicago
Classification: Uncertain significance. Last evaluated: 2017-04-05. Review status: criteria provided, single submitter. Criteria: ACMG Guidelines, 2015. Collection method: clinical testing. Allele origin: germline. Affected: no.